The following is an entry in ClinVar:

ClinVar aggregate classification (germline): Uncertain significance. Review status: criteria provided, multiple submitters, no conflicts (2 of 4 stars). 2 submissions from 2 submitters: Uncertain significance (2). Last evaluated 2025-10-22.

Conditions:
Fanconi anemia (FA). Also called: Fanconi's anemia. Identifiers: Orphanet 84, MedGen C0015625, MeSH D005199, MONDO:0019391.
Inborn genetic diseases. Identifiers: MedGen C0950123, MeSH D030342.

gnomAD v4.1: 30 of 1,608,468 alleles (0.0019%); highest among the groups gnomAD compares: Non-Finnish European, 0.00059%; no homozygotes.

Submissions (2):

Labcorp Genetics (formerly Invitae), Labcorp
Classification: Uncertain significance for Fanconi anemia. Last evaluated: 2025-10-22. Review status: criteria provided, single submitter. Criteria: Invitae Variant Classification Sherloc (09022015). Collection method: clinical testing. Allele origin: germline.
Comment: This sequence change replaces alanine, which is neutral and non-polar, with valine, which is neutral and non-polar, at codon 46 of the FANCG protein (p.Ala46Val). The frequency data for this variant in the population databases is considered unreliable, as metrics indicate poor data quality at this position in the gnomAD database. This variant has not been reported in the literature in individuals affected with FANCG-related conditions. ClinVar contains an entry for this variant (Variation ID: 4254485). Invitae Evidence Modeling of protein sequence and biophysical properties (such as structural, functional, and spatial information, amino acid conservation, physicochemical variation, residue mobility, and thermodynamic stability) indicates that this missense variant is not expected to disrupt FANCG protein function with a negative predictive value of 80%. In summary, the available evidence is currently insufficient to determine the role of this variant in disease. Therefore, it has been classified as a Variant of Uncertain Significance.

Ambry Genetics
Classification: Uncertain significance for Inborn genetic diseases. Last evaluated: 2025-08-25. Review status: criteria provided, single submitter. Criteria: Ambry Variant Classification Scheme 2023. Collection method: clinical testing. Allele origin: germline.
Comment: The p.A46V variant (also known as c.137C>T), located in coding exon 2 of the FANCG gene, results from a C to T substitution at nucleotide position 137. The alanine at codon 46 is replaced by valine, an amino acid with similar properties. This amino acid position is conserved. In addition, this alteration is predicted to be tolerated by in silico analysis. Based on the available evidence, the clinical significance of this variant remains unclear.

NM_004629.2(FANCG):c.137C>T (p.Ala46Val)

Gene: FANCG (FA complementation group G; minus strand). Cytogenetic location: 9p13.3.
Variant type: single nucleotide variant.
Coding change: c.137C>T on transcript NM_004629.2 (MANE Select); coding-DNA position 137, C replaced by T.
Protein change: p.Ala46Val; replaces alanine 46 with valine.
Molecular consequence: missense variant.
Genome position (GRCh38, 1-based): chr9:35,079,189, G>A on the plus strand (C>T on the coding strand, the complement: FANCG is on the minus strand). VCF-style: chr9-35079189-G-A. GRCh37 (hg19) VCF-style: chr9-35079186-G-A.
Other names: short protein forms A46V.
Identifiers: ClinVar variation 4254485 (VCV004254485.2).